The following is an entry in ClinVar:

NM_001040108.2(MLH3):c.4208T>G (p.Leu1403Ter)

Gene: MLH3 (mutL homolog 3; minus strand). Cytogenetic location: 14q24.3.
Variant type: single nucleotide variant.
Coding change: c.4208T>G on transcript NM_001040108.2 (MANE Select); coding-DNA position 4208, T replaced by G.
Protein change: p.Leu1403Ter; replaces leucine 1403 with a stop codon.
Molecular consequence: nonsense.
Genome position (GRCh38, 1-based): chr14:75,018,863, A>C on the plus strand (T>G on the coding strand, the complement: MLH3 is on the minus strand). VCF-style: chr14-75018863-A-C. GRCh37 (hg19) VCF-style: chr14-75485566-A-C.
Other names: c.4136T>G, p.Leu1379Ter (NM_014381.3); short protein forms L1379*, L1403*.
Identifiers: ClinVar variation 5024584 (VCV005024584.1).

ClinVar aggregate classification (germline): Uncertain significance (1 of 4 stars; one submission).

Submission:

Ambry Genetics
Classification: Uncertain significance. Last evaluated: 2026-07-10. Review status: criteria provided, single submitter. Criteria: Ambry Variant Classification Scheme 2023. Collection method: clinical testing. Allele origin: germline.
Comment: The p.L1403* variant (also known as c.4208T>G), located in coding exon 11 of the MLH3 gene, results from a T to G substitution at nucleotide position 4208. This changes the amino acid from a leucine to a stop codon within coding exon 11. This variant occurs at the 3' terminus of the gene, is not expected to trigger nonsense-mediated mRNAdecay, and impacts the last 3.5% of the protein. The exact functional effect of this variant is unknown. Based on the available evidence, the clinical significance of this variant remains unclear.